The following is an entry in ClinVar:

ClinVar aggregate classification (germline): Uncertain significance. Review status: criteria provided, multiple submitters, no conflicts (2 of 4 stars). 3 submissions from 2 submitters: Uncertain significance (3). Last evaluated 2025-06-06.

Conditions:
Autosomal dominant nonsyndromic hearing loss 17. Also called: Deafness, autosomal dominant 17; Autosomal dominant nonsyndromic deafness 17. Identifiers: Orphanet 90635, MedGen C1863659, MONDO:0011350, OMIM 603622.
MYH9-related disorder. Identifiers: MedGen C1854520.

gnomAD v4.1: 2 of 1,613,972 alleles (0.00012%); no homozygotes.

Submissions (3):

Human Genetics Bochum, Ruhr University Bochum
Classification: Uncertain significance for Autosomal dominant nonsyndromic hearing loss 17. Last evaluated: 2025-06-06. Review status: criteria provided, single submitter. Criteria: ACMG Guidelines, 2015. Collection method: clinical testing. Allele origin: germline. Affected: yes.
Comment: ACMG criteria used to clasify this variant: PM2_SUP, PP2, PP3

Illumina Laboratory Services, Illumina
Classification: Uncertain significance for MYH9-related disorder. Last evaluated: 2017-04-27. Review status: criteria provided, single submitter. Criteria: ICSL Variant Classification Criteria 13 December 2019. Collection method: clinical testing. Allele origin: germline.

Illumina Laboratory Services, Illumina
Classification: Uncertain significance for Autosomal dominant nonsyndromic hearing loss 17. Last evaluated: 2017-04-27. Review status: criteria provided, single submitter. Criteria: ICSL Variant Classification Criteria 13 December 2019. Collection method: clinical testing. Allele origin: germline.

NM_002473.6(MYH9):c.1555G>A (p.Ala519Thr)

Gene: MYH9 (myosin heavy chain 9; minus strand). Cytogenetic location: 22q12.3.
Variant type: single nucleotide variant.
Coding change: c.1555G>A on transcript NM_002473.6 (MANE Select); coding-DNA position 1555, G replaced by A.
Protein change: p.Ala519Thr; replaces alanine 519 with threonine.
Molecular consequence: missense variant.
Genome position (GRCh38, 1-based): chr22:36,312,222, C>T on the plus strand (G>A on the coding strand, the complement: MYH9 is on the minus strand). VCF-style: chr22-36312222-C-T. GRCh37 (hg19) VCF-style: chr22-36708267-C-T.
Other names: short protein forms A519T.
Identifiers: ClinVar variation 902874 (VCV000902874.5), dbSNP rs2017075745, ClinGen allele CA411400647.